The following is an entry in ClinVar:

ClinVar aggregate classification (germline): Uncertain significance (1 of 4 stars; one submission).

Conditions:
Acute myeloid leukemia (AML). Also called: Acute myeloid leukemia, adult; AML adult; Acute non-lymphocytic leukemia; Acute granulocytic leukemia; Leukemia, acute myeloid, somatic; Leukemia, acute myelogenous, somatic. Identifiers: Orphanet 519, MedGen C0023467, MeSH D015470, MONDO:0018874, OMIM 601626, HP:0004808. Disease mechanism: Constitutively activated FLT3.

Submission:

Labcorp Genetics (formerly Invitae), Labcorp
Classification: Uncertain significance for Acute myeloid leukemia. Last evaluated: 2023-03-26. Review status: criteria provided, single submitter. Criteria: Invitae Variant Classification Sherloc (09022015). Collection method: clinical testing. Allele origin: germline.
Comment: In summary, the available evidence is currently insufficient to determine the role of this variant in disease. Therefore, it has been classified as a Variant of Uncertain Significance. An algorithm developed to predict the effect of missense changes on protein structure and function (PolyPhen-2) suggests that this variant is likely to be disruptive. This variant has not been reported in the literature in individuals affected with CEBPA-related conditions. The frequency data for this variant in the population databases is considered unreliable, as metrics indicate insufficient coverage at this position in the gnomAD database. This sequence change replaces alanine, which is neutral and non-polar, with proline, which is neutral and non-polar, at codon 135 of the CEBPA protein (p.Ala135Pro).

NM_004364.5(CEBPA):c.403G>C (p.Ala135Pro)

Gene: CEBPA (CCAAT enhancer binding protein alpha; minus strand). Cytogenetic location: 19q13.11.
Variant type: single nucleotide variant.
Coding change: c.403G>C on transcript NM_004364.5 (MANE Select); coding-DNA position 403, G replaced by C.
Protein change: p.Ala135Pro; replaces alanine 135 with proline.
Molecular consequence: missense variant.
Genome position (GRCh38, 1-based): chr19:33,302,012, C>G on the plus strand (G>C on the coding strand, the complement: CEBPA is on the minus strand). VCF-style: chr19-33302012-C-G. GRCh37 (hg19) VCF-style: chr19-33792918-C-G.
Other names: c.46G>C, p.Ala16Pro (NM_001285829.2); c.508G>C, p.Ala170Pro (NM_001287424.2); c.361G>C, p.Ala121Pro (NM_001287435.2); short protein forms A16P, A135P, A121P, A170P.
Identifiers: ClinVar variation 2849796 (VCV002849796.3), dbSNP rs1967185389, ClinGen allele CA405275027.
Genomic context (GRCh38, chr19:33,302,012, plus strand): 5'-GCGCCGGCGCCCCGACGCGCTCGTACAGGGGCTCCAGCCTGCCGTCCAGGTAGCCGGCGG[C>G]CGCGCAGCCGTAGCCGGGCGGGGGCCCGTGCGCTCCCCCGGGCATGACGGCGCCGCCGGG-3'
Protein context (NP_004355.2, residues 125-145): HGPPPGYGCA[Ala135Pro]AGYLDGRLEP